The following is an entry in ClinVar:

ClinVar aggregate classification (germline): Likely benign. Review status: criteria provided, multiple submitters, no conflicts (2 of 4 stars). 2 submissions from 2 submitters: Likely benign (2). Last evaluated 2023-12-21.

Conditions:
Autosomal recessive limb-girdle muscular dystrophy type 2K. Also called: MUSCULAR DYSTROPHY, LIMB-GIRDLE, TYPE 2K; MUSCULAR DYSTROPHY-DYSTROGLYCANOPATHY (LIMB-GIRDLE), TYPE C, 1. Identifiers: Orphanet 86812, MedGen C1836373, MONDO:0012248, OMIM 609308.
Walker-Warburg congenital muscular dystrophy. Also called: Muscular dystrophy-dystroglycanopathy, type A; Walker-Warburg syndrome. Identifiers: Orphanet 899, MedGen C0265221, MONDO:0000171.
Muscular dystrophy-dystroglycanopathy (congenital with impaired intellectual development), type B, 1. Also called: Muscular dystrophy-dystroglycanopathy (congenital with intellectual disability), type B1; MUSCULAR DYSTROPHY, CONGENITAL, POMT1-RELATED. Identifiers: MedGen C5436962, MONDO:0013159, OMIM 613155.

gnomAD v4.1: 2 of 1,613,974 alleles (0.00012%); no homozygotes.

Submissions (2):

Labcorp Genetics (formerly Invitae), Labcorp
Classification: Likely benign for Muscular dystrophy-dystroglycanopathy (congenital with impaired intellectual development), type B, 1; Walker-Warburg congenital muscular dystrophy; Autosomal recessive limb-girdle muscular dystrophy type 2K. Last evaluated: 2023-12-21. Review status: criteria provided, single submitter. Criteria: Invitae Variant Classification Sherloc (09022015). Collection method: clinical testing. Allele origin: germline.

GeneDx
Classification: Likely benign. Last evaluated: 2016-06-20. Review status: criteria provided, single submitter. Criteria: GeneDx Variant Classification (06012015). Collection method: clinical testing. Allele origin: germline. Affected: yes.
Comment: This variant is considered likely benign or benign based on one or more of the following criteria: it is a conservative change, it occurs at a poorly conserved position in the protein, it is predicted to be benign by multiple in silico algorithms, and/or has population frequency not consistent with disease.

NM_001077365.2(POMT1):c.1326G>A (p.Glu442=)

Gene: POMT1 (protein O-mannosyltransferase 1; plus strand). Cytogenetic location: 9q34.13.
Variant type: single nucleotide variant.
Coding change: c.1326G>A on transcript NM_001077365.2 (MANE Select); coding-DNA position 1326, G replaced by A.
Protein change: p.Glu442=; no amino-acid change (glutamic acid 442 retained).
Molecular consequence: synonymous variant. On other transcripts: non-coding transcript variant (10).
Genome position (GRCh38, 1-based): chr9:131,518,498, G>A. VCF-style: chr9-131518498-G-A. GRCh37 (hg19) VCF-style: chr9-134393885-G-A.
Other names: c.1164G>A, p.Glu388= (NM_001077366.2, NM_001353194.2); c.1326G>A, p.Glu442= (NM_001136113.2, NM_001374690.1); c.975G>A, p.Glu325= (NM_001136114.2, NM_001353195.2, NM_001374691.1 and 2 more transcripts); c.1392G>A, p.Glu464= (NM_001353193.2, NM_007171.4); c.1236G>A, p.Glu412= (NM_001353196.2); c.1230G>A, p.Glu410= (NM_001353197.2, NM_001353198.2); c.1041G>A, p.Glu347= (NM_001353199.2); c.870G>A, p.Glu290= (NM_001353200.2); and 2 more.
Identifiers: ClinVar variation 386749 (VCV000386749.4), dbSNP rs764970702, ClinGen allele CA16605633.